The following is an entry in ClinVar:

ClinVar aggregate classification (germline): Conflicting classifications of pathogenicity. Review status: criteria provided, conflicting classifications (1 of 4 stars). 2 submissions from 2 submitters: Likely pathogenic (1); Uncertain significance (1). Last evaluated 2022-02-17.

Conditions:
Brain disorder. Also called: Brain disease. Identifiers: MedGen C0006111, MONDO:0005560.

Submissions (2):

Labcorp Genetics (formerly Invitae), Labcorp
Classification: Uncertain significance. Last evaluated: 2022-02-17. Review status: criteria provided, single submitter. Criteria: Invitae Variant Classification Sherloc (09022015). Collection method: clinical testing. Allele origin: germline.
Comment: This sequence change creates a premature translational stop signal (p.Asp299Argfs*58) in the STN1 gene. While this is not anticipated to result in nonsense mediated decay, it is expected to disrupt the last 70 amino acid(s) of the STN1 protein. This variant is not present in population databases (gnomAD no frequency). This variant has not been reported in the literature in individuals affected with STN1-related conditions. Experimental studies and prediction algorithms are not available or were not evaluated, and the functional significance of this variant is currently unknown. In summary, the available evidence is currently insufficient to determine the role of this variant in disease. Therefore, it has been classified as a Variant of Uncertain Significance.

Cambridge Genomics Laboratory, East Genomic Laboratory Hub, NHS Genomic Medicine Service
Classification: Likely pathogenic for Brain disorder. Last evaluated: 2019-10-10. Review status: criteria provided, single submitter. Criteria: ACGS Best Practice Guidelines for Variant Classification in Rare Disease 2020. Collection method: clinical testing. Allele origin: germline. Affected: yes. Observed: 1 variant allele.

NM_024928.5(STN1):c.894dup (p.Asp299fs)

Gene: STN1 (STN1 subunit of CST complex; minus strand). Cytogenetic location: 10q24.33.
Variant type: Duplication.
Coding change: c.894dup on transcript NM_024928.5 (MANE Select); coding-DNA position 894, one base duplicated (A; older notation c.894dupA).
Protein change: p.Asp299fs; shifts the reading frame from aspartic acid 299.
Molecular consequence: frameshift variant.
Genome position (GRCh38, 1-based): chr10:103,889,127, T duplicated on the plus strand (A on the coding strand, the reverse complement: STN1 is on the minus strand); the first of 3 consecutive T bases (chr10:103,889,127-103,889,129); duplicating any one gives the same sequence. VCF-style (leftmost placement, unchanged base first): chr10-103889126-C-CT. GRCh37 (hg19) VCF-style: chr10-105648884-C-CT.
Other names: short protein forms D299fs.
Identifiers: ClinVar variation 1346494 (VCV001346494.4), dbSNP rs753230146, ClinGen allele CA5676467.